The following is an entry in ClinVar:

NM_032578.4(MYPN):c.3299C>T (p.Pro1100Leu)

Gene: MYPN (myopalladin; plus strand). Cytogenetic location: 10q21.3.
Variant type: single nucleotide variant.
Coding change: c.3299C>T on transcript NM_032578.4 (MANE Select); coding-DNA position 3299, C replaced by T.
Protein change: p.Pro1100Leu; replaces proline 1100 with leucine.
Molecular consequence: missense variant. On other transcripts: non-coding transcript variant (2).
Genome position (GRCh38, 1-based): chr10:68,199,381, C>T. VCF-style: chr10-68199381-C-T. GRCh37 (hg19) VCF-style: chr10-69959138-C-T.
Other names: c.3299C>T, p.Pro1100Leu (NM_001256267.2); c.2417C>T, p.Pro806Leu (NM_001256268.2); short protein forms P806L, P1100L.
Identifiers: ClinVar variation 1729911 (VCV001729911.2), dbSNP rs1462281308, ClinGen allele CA376858901.

ClinVar aggregate classification (germline): Uncertain significance (1 of 4 stars; one submission).

Conditions:
Cardiovascular phenotype. Identifiers: MedGen CN230736.

Allele frequency attached by ClinVar (database versions not stated): gnomAD 0.00001; gnomAD exomes 0.00001; TOPMed 0.00001.
gnomAD v4.1: 8 of 1,613,754 alleles (0.0005%); highest among the groups gnomAD compares: East Asian, 0.0022%; no homozygotes.

Submission:

Ambry Genetics
Classification: Uncertain significance for Cardiovascular phenotype. Last evaluated: 2022-08-08. Review status: criteria provided, single submitter. Criteria: Ambry Variant Classification Scheme 2023. Collection method: clinical testing. Allele origin: germline.
Comment: The p.P1100L variant (also known as c.3299C>T), located in coding exon 16 of the MYPN gene, results from a C to T substitution at nucleotide position 3299. The proline at codon 1100 is replaced by leucine, an amino acid with similar properties. This alteration has been reported in a hypertrophic cardiomyopathy cohort; however, clinical details were limited and additional alterations in other cardiac-related genes were identified (Chung H et al. J Cardiovasc Magn Reson, 2021 03;23:18). This amino acid position is highly conserved in available vertebrate species. In addition, this alteration is predicted to be deleterious by in silico analysis. Since supporting evidence is limited at this time, the clinical significance of this alteration remains unclear.

Literature cited by the submitters: PubMed 33658040.